The following is an entry in ClinVar:

ClinVar aggregate classification (germline): Uncertain significance. Review status: criteria provided, multiple submitters, no conflicts (2 of 4 stars). 3 submissions from 3 submitters: Uncertain significance (3). Last evaluated 2025-02-05.

Conditions:
Naxos disease (NXD). Also called: CARDIOMYOPATHY, ARRHYTHMOGENIC RIGHT VENTRICULAR, WITH SKIN, HAIR, AND NAIL ABNORMALITIES; PALMOPLANTAR KERATODERMA WITH ARRHYTHMOGENIC RIGHT VENTRICULAR CARDIOMYOPATHY AND WOOLLY HAIR; KERATOSIS PALMOPLANTARIS WITH ARRHYTHMOGENIC CARDIOMYOPATHY; MAL DE NAXOS; WOOLLY HAIR, PALMOPLANTAR KERATODERMA, AND CARDIAC ABNORMALITIES. Identifiers: Orphanet 34217, MedGen C1832600, MONDO:0011017, OMIM 601214.
Arrhythmogenic right ventricular dysplasia 12. Also called: ARRHYTHMOGENIC RIGHT VENTRICULAR DYSPLASIA, FAMILIAL, 12. Identifiers: MedGen C1969081, MONDO:0012684, OMIM 611528.

Allele frequency attached by ClinVar (database versions not stated): gnomAD 0.00001 and 0.00003.
gnomAD v4.1: 15 of 1,614,100 alleles (0.00093%); highest among the groups gnomAD compares: East Asian, 0.0089%; no homozygotes.

Submissions (3):

Labcorp Genetics (formerly Invitae), Labcorp
Classification: Uncertain significance for Arrhythmogenic right ventricular dysplasia 12; Naxos disease. Last evaluated: 2025-02-05. Review status: criteria provided, single submitter. Criteria: Invitae Variant Classification Sherloc (09022015). Collection method: clinical testing. Allele origin: germline.
Comment: This sequence change replaces valine, which is neutral and non-polar, with methionine, which is neutral and non-polar, at codon 666 of the JUP protein (p.Val666Met). This variant is present in population databases (rs372369061, gnomAD 0.003%). This missense change has been observed in individual(s) with sudden unexplained death (PMID: 29247119, 35087879). ClinVar contains an entry for this variant (Variation ID: 633278). An algorithm developed to predict the effect of missense changes on protein structure and function (PolyPhen-2) suggests that this variant is likely to be tolerated. In summary, the available evidence is currently insufficient to determine the role of this variant in disease. Therefore, it has been classified as a Variant of Uncertain Significance.

Blueprint Genetics
Classification: Uncertain significance. Last evaluated: 2022-05-09. Review status: criteria provided, single submitter. Criteria: ACMG Guidelines, 2015. Collection method: clinical testing. Allele origin: germline.

Women's Health and Genetics/Laboratory Corporation of America, LabCorp
Classification: Uncertain significance. Last evaluated: 2018-10-30. Review status: criteria provided, single submitter. Criteria: LabCorp Variant Classification Summary - May 2015. Collection method: clinical testing. Allele origin: germline.
Comment: Variant summary: JUP c.1996G>A (p.Val666Met) results in a conservative amino acid change in the encoded protein sequence. Four of five in-silico tools predict a benign effect of the variant on protein function. The variant allele was found at a frequency of 1.4e-05 in 277246 control chromosomes (gnomAD). The available data on variant occurrences in the general population are insufficient to allow any conclusion about variant significance. The variant, c.1996G>A, has been reported in the literature in an individual affected with sudden unexplained death (Lin_2017). This report does not provide unequivocal conclusions about association of the variant with Cardiomyopathy. To our knowledge, no experimental evidence demonstrating an impact on protein function has been reported. No clinical diagnostic laboratories have submitted clinical-significance assessments for this variant to ClinVar after 2014. Based on the evidence outlined above, the variant was classified as uncertain significance.

Literature cited by the submitters: PubMed 29247119 (cited by Labcorp Genetics (formerly Invitae), Labcorp and Women's Health and Genetics/Laboratory Corporation of America, LabCorp); PubMed 35087879 (cited by Labcorp Genetics (formerly Invitae), Labcorp).

NM_002230.4(JUP):c.1996G>A (p.Val666Met)

Gene: JUP (junction plakoglobin; minus strand). Cytogenetic location: 17q21.2.
Variant type: single nucleotide variant.
Coding change: c.1996G>A on transcript NM_002230.4 (MANE Select); coding-DNA position 1996, G replaced by A.
Protein change: p.Val666Met; replaces valine 666 with methionine.
Molecular consequence: missense variant.
Genome position (GRCh38, 1-based): chr17:41,757,465, C>T on the plus strand (G>A on the coding strand, the complement: JUP is on the minus strand). VCF-style: chr17-41757465-C-T. GRCh37 (hg19) VCF-style: chr17-39913717-C-T.
Other names: c.1996G>A, p.Val666Met (NM_001352773.2, NM_001352774.2, NM_001352775.2 and 3 more transcripts); short protein forms V666M.
Identifiers: ClinVar variation 633278 (VCV000633278.10), dbSNP rs372369061, ClinGen allele CA8565051.